The following is an entry in ClinVar:

ClinVar aggregate classification (germline): Benign. Review status: criteria provided, multiple submitters, no conflicts (2 of 4 stars). 7 submissions from 7 submitters: Benign (5). 2 of the submissions do not count toward it. Last evaluated 2026-09-16.

Conditions:
Myeloproliferative neoplasm. Identifiers: Orphanet 98274, MedGen C1292778, MONDO:0020076.
Bohring-Opitz syndrome. Also called: C-LIKE SYNDROME; OPITZ TRIGONOCEPHALY-LIKE SYNDROME; BOHRING SYNDROME; ASXL1-Related Bohring-Opitz Syndrome. Identifiers: Orphanet 97297, MedGen C0796232, MONDO:0011510, OMIM 605039.

Allele frequency attached by ClinVar (database versions not stated): gnomAD exomes 0.01023 and 0.02777; ESP Exome Variant Server 0.01822; ExAC 0.02317; gnomAD 0.02455 and 0.02457; TOPMed 0.03241; 1000 Genomes Project 0.04014; 1000 Genomes Project 30x 0.04169.
gnomAD v4.1: 18,883 of 1,614,160 alleles (1.2%); highest among the groups gnomAD compares: Admixed American, 11%; 671 homozygotes.

Submissions (7):

Dept of Medical Biology, Uskudar University
Classification: Benign for Myeloproliferative neoplasm. Last evaluated: 2026-09-16. Review status: criteria provided, single submitter. Criteria: Dept of Medical Biology Variant Classification. Collection method: research. Allele origin: germline. Affected: yes. Observed: 3 variant alleles.
Comment: BA1: allele frequency 1.2e-01 in the Admixed American population and 1.0e-02 in exomes in gnomAD v4.1. BP7: synonymous variant with no predicted splicing effect (SpliceAI maximum delta score 0.00). BP6: classified as benign in ClinVar by other submitters (VCV000338104). Classified as benign under the ACMG/AMP 2015 guidelines (PMID:25741868). Detected in a retrospective series of 256 BCR::ABL1-negative and JAK2 V617F-negative patients referred for molecular investigation of a suspected myeloproliferative neoplasm (May 2007 to January 2015) and re-interpreted under the ACMG/AMP 2015 criteria.

Labcorp Genetics (formerly Invitae), Labcorp
Classification: Benign. Last evaluated: 2026-02-03. Review status: criteria provided, single submitter. Criteria: Invitae Variant Classification Sherloc (09022015). Collection method: clinical testing. Allele origin: germline.

Genome-Nilou Lab
Classification: Benign for Bohring-Opitz syndrome. Last evaluated: 2021-12-05. Review status: criteria provided, single submitter. Criteria: ACMG Guidelines, 2015. Collection method: clinical testing. Allele origin: germline. Affected: no.

GeneDx
Classification: Benign. Last evaluated: 2018-08-17. Review status: criteria provided, single submitter. Criteria: GeneDx Variant Classification Process June 2021. Collection method: clinical testing. Allele origin: germline. Affected: yes.

Breakthrough Genomics
Classification: Benign. Review status: criteria provided, single submitter. Criteria: ACMG Guidelines, 2015. Collection method: not provided. Allele origin: germline. Inheritance: Autosomal dominant inheritance. Affected: yes.

Clinical Genetics DNA and cytogenetics Diagnostics Lab, Erasmus MC, Erasmus Medical Center
Classification: Benign. Review status: no assertion criteria provided. Collection method: clinical testing. Allele origin: germline. Affected: yes. Study: VKGL Data-share Consensus. Not counted in ClinVar's aggregate classification.

Joint Genome Diagnostic Labs from Nijmegen and Maastricht, Radboudumc and MUMC+
Classification: Benign. Review status: no assertion criteria provided. Collection method: clinical testing. Allele origin: germline. Affected: yes. Study: VKGL Data-share Consensus. Not counted in ClinVar's aggregate classification.

NM_015338.6(ASXL1):c.2985C>T (p.His995=)

Gene: ASXL1 (ASXL transcriptional regulator 1; plus strand). Cytogenetic location: 20q11.21.
Variant type: single nucleotide variant.
Coding change: c.2985C>T on transcript NM_015338.6 (MANE Select); coding-DNA position 2985, C replaced by T.
Protein change: p.His995=; no amino-acid change (histidine 995 retained).
Molecular consequence: synonymous variant.
Genome position (GRCh38, 1-based): chr20:32,435,697, C>T. VCF-style: chr20-32435697-C-T. GRCh37 (hg19) VCF-style: chr20-31023500-C-T.
Other names: c.2802C>T, p.His934= (NM_001363734.1).
Identifiers: ClinVar variation 338104 (VCV000338104.17), dbSNP rs62206933, ClinGen allele CA9808738.